The following is an entry in ClinVar:

ClinVar aggregate classification (germline): Conflicting classifications of pathogenicity. Review status: criteria provided, conflicting classifications (1 of 4 stars). 8 submissions from 8 submitters: Uncertain significance (4); Likely benign (2). 2 of the submissions do not count toward it. Last evaluated 2025-01-30.

Conditions:
Naxos disease (NXD). Also called: KERATOSIS PALMOPLANTARIS WITH ARRHYTHMOGENIC CARDIOMYOPATHY; MAL DE NAXOS; PALMOPLANTAR KERATODERMA WITH ARRHYTHMOGENIC RIGHT VENTRICULAR CARDIOMYOPATHY AND WOOLLY HAIR; WOOLLY HAIR, PALMOPLANTAR KERATODERMA, AND CARDIAC ABNORMALITIES; CARDIOMYOPATHY, ARRHYTHMOGENIC RIGHT VENTRICULAR, WITH SKIN, HAIR, AND NAIL ABNORMALITIES. Identifiers: Orphanet 34217, MedGen C1832600, MONDO:0011017, OMIM 601214.
Arrhythmogenic right ventricular dysplasia 12. Also called: ARRHYTHMOGENIC RIGHT VENTRICULAR DYSPLASIA, FAMILIAL, 12. Identifiers: MedGen C1969081, MONDO:0012684, OMIM 611528.
Cardiovascular phenotype. Identifiers: MedGen CN230736.

Allele frequency attached by ClinVar (database versions not stated): ExAC 0.00004; gnomAD exomes 0.00004 and 0.00005; gnomAD 0.00007 and 0.00008; TOPMed 0.00010.
gnomAD v4.1: 81 of 1,600,322 alleles (0.0051%); highest among the groups gnomAD compares: Middle Eastern, 0.11%; no homozygotes.

Submissions (8):

Labcorp Genetics (formerly Invitae), Labcorp
Classification: Uncertain significance for Arrhythmogenic right ventricular dysplasia 12; Naxos disease. Last evaluated: 2025-01-30. Review status: criteria provided, single submitter. Criteria: Invitae Variant Classification Sherloc (09022015). Collection method: clinical testing. Allele origin: germline.
Comment: This sequence change replaces valine, which is neutral and non-polar, with leucine, which is neutral and non-polar, at codon 159 of the JUP protein (p.Val159Leu). This variant is present in population databases (rs782702266, gnomAD 0.007%). This missense change has been observed in individuals with arrhythmogenic right ventricular cardiomyopathy, idiopathic left ventricular hypertrophy and Brugada syndrome (PMID: 18672408, 25820315, 26230511, 33919104). ClinVar contains an entry for this variant (Variation ID: 468754). An algorithm developed to predict the effect of missense changes on protein structure and function (PolyPhen-2) suggests that this variant¬¨‚Ä†is likely to be tolerated. In summary, the available evidence is currently insufficient to determine the role of this variant in disease. Therefore, it has been classified as a Variant of Uncertain Significance.

Women's Health and Genetics/Laboratory Corporation of America, LabCorp
Classification: Likely benign. Last evaluated: 2023-11-15. Review status: criteria provided, single submitter. Criteria: LabCorp Variant Classification Summary - May 2015. Collection method: clinical testing. Allele origin: germline.
Comment: Variant summary: JUP c.475G>T (p.Val159Leu) results in a conservative amino acid change in the encoded protein sequence. Three of five in-silico tools predict a damaging effect of the variant on protein function. The variant allele was found at a frequency of 5.2e-05 in 1552702 control chromosomes. The observed variant frequency is approximately 8 fold of the estimated maximal expected allele frequency for a pathogenic variant in JUP causing Arrhythmogenic Right Ventricular Dysplasia/Cardiomyopathy phenotype (6.3e-06), strongly suggesting that the variant is benign. c.475G>T has been reported in the literature in individuals affected with Arrhythmogenic Right Ventricular Dysplasia/Cardiomyopathy and Brugada Syndrome (examples: Xu_2010, Allegue_2015, Iglesias_2021). These report(s) do not provide unequivocal conclusions about association of the variant with Arrhythmogenic Right Ventricular Dysplasia/Cardiomyopathy. Co-occurrences with other pathogenic variant(s) have been reported (PKP2 c.2146-1G>C), providing supporting evidence for a benign role (Xu_2010). Four submitters have cited clinical-significance assessments for this variant to ClinVar after 2014 and classified the variant as VUS (n=3) and likely benign (n=1). Based on the evidence outlined above, the variant was classified as likely benign.

Ambry Genetics
Classification: Likely benign for Cardiovascular phenotype. Last evaluated: 2023-03-23. Review status: criteria provided, single submitter. Criteria: Ambry Variant Classification Scheme 2023. Collection method: clinical testing. Allele origin: germline.

Fulgent Genetics
Classification: Uncertain significance for Naxos disease; Arrhythmogenic right ventricular dysplasia 12. Last evaluated: 2021-08-24. Review status: criteria provided, single submitter. Criteria: ACMG Guidelines, 2015. Collection method: clinical testing. Allele origin: unknown.

GeneDx
Classification: Uncertain significance. Last evaluated: 2020-12-10. Review status: criteria provided, single submitter. Criteria: GeneDx Variant Classification Process June 2021. Collection method: clinical testing. Allele origin: germline. Affected: yes.
Comment: Reported in ClinVar (ClinVar Variant ID# 468754; Landrum et al., 2016); In silico analysis supports that this missense variant has a deleterious effect on protein structure/function; This variant is associated with the following publications: (PMID: 31402444, 32268277, 25820315, 18672408, 26230511, 20152563)

Victorian Clinical Genetics Services, Murdoch Childrens Research Institute
Classification: Uncertain significance for Arrhythmogenic right ventricular dysplasia 12. Last evaluated: 2020-10-19. Review status: criteria provided, single submitter. Criteria: ACMG Guidelines, 2015. Collection method: clinical testing. Allele origin: germline. Inheritance: Autosomal dominant inheritance. Affected: yes.
Comment: Based on the classification scheme VCGS_Germline_v1.3.3, this variant is classified as 3A-VUS. Following criteria are met: 0102 - Loss of function is a known mechanism of disease in this gene and is associated with arrhythmogenic right ventricular dysplasia 12 (MIM#611528) and Naxos disease (MIM#601214) (I) 0108 - This gene is associated with both recessive and dominant disease. Arrhythmogenic right ventricular dysplasia 12 (MIM#611528) is caused by dominant variants, while Naxos disease (MIM#601214) is caused by recessively inherited variants with additional cutaneous phenotypes (PMID: 16722579). (I) 0200 - Variant is predicted to result in a missense amino acid change from valine to leucine. (I) 0251 - This variant is heterozygous. (I) 0304 - Variant is present in gnomAD (v2) <0.01 for a recessive condition (11 heterozygotes, 0 homozygotes). (SP) 0309 - An alternative amino acid change at the same position has been observed in gnomAD (v2) (2 heterozygotes, 0 homozygotes). (I) 0502 - Missense variant with conflicting in silico predictions and uninformative conservation. (I) 0604 - Variant is not located in an established domain, motif, hotspot or informative constraint region. (I) 0705 - No comparable missense variants have previous evidence for pathogenicity. (I) 0802 - This variant has moderate previous evidence of pathogenicity in unrelated individuals. It has been identified in 2 patients with ARVC, 2 brothers with Brugada syndrome and classified as both a VUS and likely pathogenic variant by diagnostic laboratories in ClinVar (ClinVar; PMID: 18672408, 25820315, 26230511). (SP) 1007 - No published functional evidence has been identified for this variant. (I) 1208 - Inheritance information for this variant is not currently available in this individual. (I) Legend: (SP) - Supporting pathogenic, (I) - Information, (SB) - Supporting benign

Clinical Genetics DNA and cytogenetics Diagnostics Lab, Erasmus MC, Erasmus Medical Center
Classification: Uncertain significance. Review status: no assertion criteria provided. Collection method: clinical testing. Allele origin: germline. Affected: yes. Study: VKGL Data-share Consensus. Not counted in ClinVar's aggregate classification.

Genome Diagnostics Laboratory, University Medical Center Utrecht
Classification: Uncertain significance. Review status: no assertion criteria provided. Collection method: clinical testing. Allele origin: germline. Affected: yes. Study: VKGL Data-share Consensus. Not counted in ClinVar's aggregate classification.

Literature cited by the submitters: PubMed 18672408 (cited by 3 submitters); PubMed 25820315 (cited by 3 submitters); PubMed 26230511 (cited by 4 submitters); PubMed 33919104 (cited by 3 submitters); PubMed 20152563 (cited by Women's Health and Genetics/Laboratory Corporation of America, LabCorp and Ambry Genetics); PubMed 27930701 (cited by Ambry Genetics); PubMed 28471438 (cited by Ambry Genetics); PubMed 31402444 (cited by Ambry Genetics); PubMed 32268277 (cited by Ambry Genetics); PubMed 16722579 (cited by Victorian Clinical Genetics Services, Murdoch Childrens Research Institute).

NM_002230.4(JUP):c.475G>T (p.Val159Leu)

Gene: JUP (junction plakoglobin; minus strand). Cytogenetic location: 17q21.2.
Variant type: single nucleotide variant.
Coding change: c.475G>T on transcript NM_002230.4 (MANE Select); coding-DNA position 475, G replaced by T.
Protein change: p.Val159Leu; replaces valine 159 with leucine.
Molecular consequence: missense variant.
Genome position (GRCh38, 1-based): chr17:41,769,201, C>A on the plus strand (G>T on the coding strand, the complement: JUP is on the minus strand). VCF-style: chr17-41769201-C-A. GRCh37 (hg19) VCF-style: chr17-39925453-C-A.
Other names: c.475G>T, p.Val159Leu (NM_001352773.2, NM_001352774.2, NM_001352775.2 and 3 more transcripts); short protein forms V159L.
Identifiers: ClinVar variation 468754 (VCV000468754.29), dbSNP rs782702266, ClinGen allele CA8565461.
Genomic context (GRCh38, chr17:41,769,201, plus strand): 5'-GGGCCCGCCGCGACGCCTCCTTCTTCGACAGCTGGTTCACAATCATGGCCGCCTTGGTCA[C>A]CACCACCTGGAGGGCAAAGGCAGGGGCGGGGACGTGAGCACTAAGGAGAGGCCGGGATAC-3'
Protein context (NP_002221.1, residues 149-169): KLLNDEDPVV[Val159Leu]TKAAMIVNQL